The following is an entry in ClinVar:

NM_001920.5(DCN):c.671C>T (p.Thr224Met)

Gene: DCN (decorin; minus strand). Cytogenetic location: 12q21.33.
Variant type: single nucleotide variant.
Coding change: c.671C>T on transcript NM_001920.5 (MANE Select); coding-DNA position 671, C replaced by T.
Protein change: p.Thr224Met; replaces threonine 224 with methionine.
Molecular consequence: missense variant. On other transcripts: intron variant (2).
Genome position (GRCh38, 1-based): chr12:91,153,171, G>A on the plus strand (C>T on the coding strand, the complement: DCN is on the minus strand). VCF-style: chr12-91153171-G-A. GRCh37 (hg19) VCF-style: chr12-91546948-G-A.
Other names: c.671C>T, p.Thr224Met (NM_133503.4); c.344C>T, p.Thr115Met (NM_133504.3); c.230C>T, p.Thr77Met (NM_133505.3); c.212-6919C>T (NM_133507.3); c.325-6919C>T (NM_133506.3); short protein forms T77M, T115M, T224M.
Identifiers: ClinVar variation 881297 (VCV000881297.6), dbSNP rs144174426, ClinGen allele CA6716979.

ClinVar aggregate classification (germline): Conflicting classifications of pathogenicity. Review status: criteria provided, conflicting classifications (1 of 4 stars). 2 submissions from 2 submitters: Uncertain significance (1); Benign (1). Last evaluated 2021-08-02.

Conditions:
Congenital stromal corneal dystrophy (CSCD). Identifiers: Orphanet 101068, MedGen C1864738, MONDO:0012401, OMIM 610048.
Inborn genetic diseases. Identifiers: MedGen C0950123, MeSH D030342.

Allele frequency attached by ClinVar (database versions not stated): gnomAD exomes 0.00010; gnomAD 0.00011 and 0.00012; ExAC 0.00012; TOPMed 0.00012; ESP Exome Variant Server 0.00023.

Submissions (2):

Ambry Genetics
Classification: Uncertain significance for Inborn genetic diseases. Last evaluated: 2021-08-02. Review status: criteria provided, single submitter. Criteria: Ambry Variant Classification Scheme 2023. Collection method: clinical testing. Allele origin: germline.

Illumina Laboratory Services, Illumina
Classification: Benign for Congenital stromal corneal dystrophy. Last evaluated: 2018-01-12. Review status: criteria provided, single submitter. Criteria: ICSL Variant Classification Criteria 13 December 2019. Collection method: clinical testing. Allele origin: germline.
Comment: This variant was observed in the ICSL laboratory as part of a predisposition screen in an ostensibly healthy population. It had not been previously curated by ICSL or reported in the Human Gene Mutation Database (HGMD: prior to June 1st, 2018), and was therefore a candidate for classification through an automated scoring system. Utilizing variant allele frequency, disease prevalence and penetrance estimates, and inheritance mode, an automated score was calculated to assess if this variant is too frequent to cause the disease. Based on the score and internal cut-off values, a variant classified as benign is not then subjected to further curation. The score for this variant resulted in a classification of benign for this disease.